The following is an entry in ClinVar:

ClinVar aggregate classification (germline): Uncertain significance. Review status: criteria provided, multiple submitters, no conflicts (2 of 4 stars). 2 submissions from 2 submitters: Uncertain significance (2). Last evaluated 2024-12-09.

Conditions:
Inborn genetic diseases. Identifiers: MedGen C0950123, MeSH D030342.

gnomAD v4.1: 23 of 1,612,582 alleles (0.0014%); highest among the groups gnomAD compares: Non-Finnish European, 0.0018%; no homozygotes.

Submissions (2):

Labcorp Genetics (formerly Invitae), Labcorp
Classification: Uncertain significance. Last evaluated: 2024-12-09. Review status: criteria provided, single submitter. Criteria: Invitae Variant Classification Sherloc (09022015). Collection method: clinical testing. Allele origin: germline.
Comment: This sequence change replaces valine, which is neutral and non-polar, with isoleucine, which is neutral and non-polar, at codon 591 of the COL27A1 protein (p.Val591Ile). This variant is present in population databases (rs540526729, gnomAD 0.003%). This variant has not been reported in the literature in individuals affected with COL27A1-related conditions. ClinVar contains an entry for this variant (Variation ID: 1937695). Invitae Evidence Modeling of protein sequence and biophysical properties (such as structural, functional, and spatial information, amino acid conservation, physicochemical variation, residue mobility, and thermodynamic stability) indicates that this missense variant is not expected to disrupt COL27A1 protein function with a negative predictive value of 95%. In summary, the available evidence is currently insufficient to determine the role of this variant in disease. Therefore, it has been classified as a Variant of Uncertain Significance.

Ambry Genetics
Classification: Uncertain significance for Inborn genetic diseases. Last evaluated: 2024-05-07. Review status: criteria provided, single submitter. Criteria: Ambry Variant Classification Scheme 2023. Collection method: clinical testing. Allele origin: germline.

NM_032888.4(COL27A1):c.1771G>A (p.Val591Ile)

Gene: COL27A1 (collagen type XXVII alpha 1 chain; plus strand). Cytogenetic location: 9q32.
Variant type: single nucleotide variant.
Coding change: c.1771G>A on transcript NM_032888.4 (MANE Select); coding-DNA position 1771, G replaced by A.
Protein change: p.Val591Ile; replaces valine 591 with isoleucine.
Molecular consequence: missense variant.
Genome position (GRCh38, 1-based): chr9:114,169,326, G>A. VCF-style: chr9-114169326-G-A. GRCh37 (hg19) VCF-style: chr9-116931606-G-A.
Other names: c.1771G>A (NM_032888.2); short protein forms V591I.
Identifiers: ClinVar variation 1937695 (VCV001937695.5), dbSNP rs540526729, ClinGen allele CA5201470.